The following is an entry in ClinVar:

NM_015102.5(NPHP4):c.4067A>C (p.Tyr1356Ser)

Gene: NPHP4 (nephrocystin 4; minus strand). Cytogenetic location: 1p36.31.
Variant type: single nucleotide variant.
Coding change: c.4067A>C on transcript NM_015102.5 (MANE Select); coding-DNA position 4067, A replaced by C.
Protein change: p.Tyr1356Ser; replaces tyrosine 1356 with serine.
Molecular consequence: missense variant. On other transcripts: non-coding transcript variant (1).
Genome position (GRCh38, 1-based): chr1:5,863,963, T>G on the plus strand (A>C on the coding strand, the complement: NPHP4 is on the minus strand). VCF-style: chr1-5863963-T-G. GRCh37 (hg19) VCF-style: chr1-5924023-T-G.
Other names: c.4067A>C (NM_015102.4); c.2528A>C, p.Tyr843Ser (NM_001291593.2); c.2531A>C, p.Tyr844Ser (NM_001291594.2); short protein forms Y844S, Y1356S, Y843S.
Identifiers: ClinVar variation 4910444 (VCV004910444.2).

ClinVar aggregate classification (germline): Uncertain significance. Review status: criteria provided, multiple submitters, no conflicts (2 of 4 stars). 2 submissions from 2 submitters: Uncertain significance (2). Last evaluated 2025-08-22.

Conditions:
NPHP4-related disorder. Also called: NPHP4-related disorders; NPHP4-related condition. Identifiers: MedGen CN239384.

gnomAD v4.1: 9 of 1,613,246 alleles (0.00056%); highest among the groups gnomAD compares: East Asian, 0.016%; no homozygotes.

Submissions (2):

PreventionGenetics, part of Exact Sciences
Classification: Uncertain significance for NPHP4-related condition. Last evaluated: 2025-08-22. Review status: criteria provided, single submitter. Criteria: ACMG Guidelines, 2015. Collection method: clinical testing. Allele origin: germline.
Comment: The NPHP4 c.4067A>C variant is predicted to result in the amino acid substitution p.Tyr1356Ser. To our knowledge, this variant has not been reported in the literature. This variant is reported in 0.028% of alleles in individuals of East Asian descent in gnomAD. At this time, the clinical significance of this variant is uncertain due to the absence of conclusive functional and genetic evidence.

Blueprint Genetics
Classification: Uncertain significance. Last evaluated: 2020-01-09. Review status: criteria provided, single submitter. Criteria: ACMG Guidelines, 2015. Collection method: clinical testing. Allele origin: germline.